The following is an entry in ClinVar:

ClinVar aggregate classification (germline): Uncertain significance. Review status: criteria provided, multiple submitters, no conflicts (2 of 4 stars). 2 submissions from 2 submitters: Uncertain significance (2). Last evaluated 2025-10-14.

Allele frequency attached by ClinVar (database versions not stated): gnomAD exomes 0.00001 and 0.00002; ExAC 0.00003; gnomAD 0.00011 and 0.00014; TOPMed 0.00015.
gnomAD v4.1: 27 of 1,613,740 alleles (0.0017%); highest among the groups gnomAD compares: African/African-American, 0.033%; no homozygotes.

Submissions (2):

Labcorp Genetics (formerly Invitae), Labcorp
Classification: Uncertain significance. Last evaluated: 2025-10-14. Review status: criteria provided, single submitter. Criteria: Invitae Variant Classification Sherloc (09022015). Collection method: clinical testing. Allele origin: germline.
Comment: This sequence change replaces histidine, which is basic and polar, with asparagine, which is neutral and polar, at codon 607 of the MYLK3 protein (p.His607Asn). This variant is present in population databases (rs775044781, gnomAD 0.03%). This variant has not been reported in the literature in individuals affected with MYLK3-related conditions. ClinVar contains an entry for this variant (Variation ID: 1499683). An algorithm developed to predict the effect of missense changes on protein structure and function outputs the following: PolyPhen-2: "Benign". The asparagine amino acid residue is found in multiple mammalian species, which suggests that this missense change does not adversely affect protein function. In summary, the available evidence is currently insufficient to determine the role of this variant in disease. Therefore, it has been classified as a Variant of Uncertain Significance.

Ambry Genetics
Classification: Uncertain significance. Last evaluated: 2024-06-25. Review status: criteria provided, single submitter. Criteria: Ambry Variant Classification Scheme 2023. Collection method: clinical testing. Allele origin: germline.

NM_182493.3(MYLK3):c.1819C>A (p.His607Asn)

Gene: MYLK3 (myosin light chain kinase 3; minus strand). Cytogenetic location: 16q11.2.
Variant type: single nucleotide variant.
Coding change: c.1819C>A on transcript NM_182493.3 (MANE Select); coding-DNA position 1819, C replaced by A.
Protein change: p.His607Asn; replaces histidine 607 with asparagine.
Molecular consequence: missense variant.
Genome position (GRCh38, 1-based): chr16:46,727,331, G>T on the plus strand (C>A on the coding strand, the complement: MYLK3 is on the minus strand). VCF-style: chr16-46727331-G-T. GRCh37 (hg19) VCF-style: chr16-46761243-G-T.
Other names: c.1819C>A (NM_182493.2); c.796C>A, p.His266Asn (NM_001308301.1); short protein forms H266N, H607N.
Identifiers: ClinVar variation 1499683 (VCV001499683.7), dbSNP rs775044781, ClinGen allele CA8037834.